The following is an entry in ClinVar:

ClinVar aggregate classification (germline): Pathogenic. Review status: criteria provided, multiple submitters, no conflicts (2 of 4 stars). 2 submissions from 2 submitters: Pathogenic (2). Last evaluated 2024-12-18.

Conditions:
PKD1-related disorder. Also called: PKD1-related condition.
Polycystic kidney disease, adult type (PKD1). Also called: Polycystic Kidney Disease 1, Autosomal Dominant; Polycystic kidney disease 1; Polycystic kidney disease 1, severe; Polycystic Kidney, Autosomal Dominant; POLYCYSTIC KIDNEY DISEASE, ADULT, TYPE I; POLYCYSTIC KIDNEY DISEASE 1 WITH OR WITHOUT POLYCYSTIC LIVER DISEASE. Identifiers: MedGen C3149841, MONDO:0008263, OMIM 173900.

Submissions (2):

PreventionGenetics, part of Exact Sciences
Classification: Pathogenic for PKD1-related condition. Last evaluated: 2024-12-18. Review status: criteria provided, single submitter. Criteria: ACMG Guidelines, 2015. Collection method: clinical testing. Allele origin: germline.
Comment: The PKD1 c.3611delC variant is predicted to result in a frameshift and premature protein termination (p.Ala1204Glyfs*16). To our knowledge, this variant has not been reported in the literature or in a large population database (gnomAD), indicating this variant is rare. Frameshift variants in PKD1 are expected to be pathogenic. This variant is interpreted as pathogenic.

Fulgent Genetics
Classification: Pathogenic for Polycystic kidney disease, adult type. Last evaluated: 2024-05-08. Review status: criteria provided, single submitter. Criteria: ACMG Guidelines, 2015. Collection method: clinical testing. Allele origin: germline.

NM_001009944.3(PKD1):c.3611del (p.Ala1204fs)

Gene: PKD1 (polycystin 1, transient receptor potential channel interacting; minus strand). Cytogenetic location: 16p13.3.
Variant type: Deletion.
Coding change: c.3611del on transcript NM_001009944.3 (MANE Select); coding-DNA position 3611, one base deleted (C; older notation c.3611delC).
Protein change: p.Ala1204fs; shifts the reading frame from alanine 1204.
Molecular consequence: frameshift variant.
Genome position (GRCh38, 1-based): chr16:2,111,556, G deleted on the plus strand (C on the coding strand, the reverse complement: PKD1 is on the minus strand). VCF-style (leftmost placement, unchanged base first): chr16-2111555-CG-C. GRCh37 (hg19) VCF-style: chr16-2161556-CG-C.
Other names: c.3611del, p.Ala1204fs (NM_000296.4); short protein forms A1204fs.
Identifiers: ClinVar variation 3579593 (VCV003579593.2).